The following is an entry in ClinVar:

NM_001110556.2(FLNA):c.393C>A (p.Asp131Glu)

Gene: FLNA (filamin A; minus strand). Cytogenetic location: Xq28.
Variant type: single nucleotide variant.
Coding change: c.393C>A on transcript NM_001110556.2 (MANE Select); coding-DNA position 393, C replaced by A.
Protein change: p.Asp131Glu; replaces aspartic acid 131 with glutamic acid.
Molecular consequence: missense variant.
Genome position (GRCh38, 1-based): chrX:154,368,071, G>T on the plus strand (C>A on the coding strand, the complement: FLNA is on the minus strand). VCF-style: chrX-154368071-G-T. GRCh37 (hg19) VCF-style: chrX-153596439-G-T.
Other names: c.393C>A, p.Asp131Glu (NM_001456.4); short protein forms D131E.
Identifiers: ClinVar variation 2577340 (VCV002577340.1), dbSNP rs782315270, ClinGen allele CA415251043.

ClinVar aggregate classification (germline): Uncertain significance (1 of 4 stars; one submission).

Submission:

Women's Health and Genetics/Laboratory Corporation of America, LabCorp
Classification: Uncertain significance. Last evaluated: 2023-07-17. Review status: criteria provided, single submitter. Criteria: LabCorp Variant Classification Summary - May 2015. Collection method: clinical testing. Allele origin: germline.
Comment: Variant summary: FLNA c.393C>A (p.Asp131Glu) results in a conservative amino acid change located in the Calponin homology domain (IPR001715) of the encoded protein sequence. Three of five in-silico tools predict a benign effect of the variant on protein function. The variant was absent in 181137 control chromosomes (gnomAD). The available data on variant occurrences in the general population are insufficient to allow any conclusion about variant significance. c.393C>A has been reported in the literature in an individual affected with periventricular nodular heterotopia (example: Liu_2017). These report(s) do not provide unequivocal conclusions about association of the variant with Periventricular Nodular Heterotopia 1. To our knowledge, no experimental evidence demonstrating an impact on protein function has been reported. The following publication has been ascertained in the context of this evaluation (PMID: 28411558). No submitters have cited clinical-significance assessments for this variant to ClinVar after 2014. Based on the evidence outlined above, the variant was classified as uncertain significance.

Literature cited by the submitters: PubMed 28411558.